The following is an entry in ClinVar:

NM_033026.6(PCLO):c.9181C>T (p.Pro3061Ser)

Gene: PCLO (piccolo presynaptic cytomatrix protein; minus strand). Cytogenetic location: 7q21.11.
Variant type: single nucleotide variant.
Coding change: c.9181C>T on transcript NM_033026.6 (MANE Select); coding-DNA position 9181, C replaced by T.
Protein change: p.Pro3061Ser; replaces proline 3061 with serine.
Molecular consequence: missense variant.
Genome position (GRCh38, 1-based): chr7:82,951,407, G>A on the plus strand (C>T on the coding strand, the complement: PCLO is on the minus strand). VCF-style: chr7-82951407-G-A. GRCh37 (hg19) VCF-style: chr7-82580723-G-A.
Other names: c.9181C>T, p.Pro3061Ser (NM_014510.3); short protein forms P3061S.
Identifiers: ClinVar variation 1468780 (VCV001468780.6), dbSNP rs1158881241, ClinGen allele CA367909034.

ClinVar aggregate classification (germline): Uncertain significance (1 of 4 stars; one submission).

gnomAD v4.1: 10 of 1,599,258 alleles (0.00063%); highest among the groups gnomAD compares: East Asian, 0.0023%; no homozygotes.

Submission:

Labcorp Genetics (formerly Invitae), Labcorp
Classification: Uncertain significance. Last evaluated: 2021-10-28. Review status: criteria provided, single submitter. Criteria: Invitae Variant Classification Sherloc (09022015). Collection method: clinical testing. Allele origin: germline.
Comment: This variant is not present in population databases (gnomAD no frequency). This sequence change replaces proline, which is neutral and non-polar, with serine, which is neutral and polar, at codon 3061 of the PCLO protein (p.Pro3061Ser). This variant has not been reported in the literature in individuals affected with PCLO-related conditions. In summary, the available evidence is currently insufficient to determine the role of this variant in disease. Therefore, it has been classified as a Variant of Uncertain Significance. Algorithms developed to predict the effect of missense changes on protein structure and function are either unavailable or do not agree on the potential impact of this missense change (SIFT: "Deleterious"; PolyPhen-2: "Not Available"; Align-GVGD: "Class C0").